The following is an entry in ClinVar:

NM_002661.5(PLCG2):c.1712A>G (p.Asn571Ser)

Gene: PLCG2 (phospholipase C gamma 2; plus strand). Cytogenetic location: 16q23.3.
Variant type: single nucleotide variant.
Coding change: c.1712A>G on transcript NM_002661.5 (MANE Select); coding-DNA position 1712, A replaced by G.
Protein change: p.Asn571Ser; replaces asparagine 571 with serine.
Molecular consequence: missense variant.
Genome position (GRCh38, 1-based): chr16:81,908,570, A>G. VCF-style: chr16-81908570-A-G. GRCh37 (hg19) VCF-style: chr16-81942175-A-G.
Other names: p.Asn571Ser; short protein forms N571S.
Identifiers: ClinVar variation 440159 (VCV000440159.59), dbSNP rs75472618, ClinGen allele CA8193891.
Genomic context (GRCh38, chr16:81,908,570, plus strand): 5'-GCATGGAGACGGGGGGCAAGGATGGCACCTTCCTGGTTCGGGAGAGCGAGACCTTCCCCA[A>G]TGACTACACCCTGTCCTTCTGGTAATGCCCCCGACCCAGGGAACGCCTACCTTCTTCTCC-3'
Protein context (NP_002652.2, residues 561-581): FLVRESETFP[Asn571Ser]DYTLSFWRSG

ClinVar aggregate classification (germline): Benign/Likely benign. Review status: criteria provided, multiple submitters, no conflicts (2 of 4 stars). 11 submissions from 11 submitters: Benign (5); Likely benign (3). 3 of the submissions do not count toward it. Last evaluated 2026-07-01.

Conditions:
Autoinflammation-PLCG2-associated antibody deficiency-immune dysregulation. Also called: Autoinflammation, antibody deficiency, and immune dysregulation, plcg2-associated; AUTOINFLAMMATION, ANTIBODY DEFICIENCY, AND IMMUNE DYSREGULATION; Autoinflammation, antibody deficiency, and immune dysregulation syndrome. Identifiers: Orphanet 324530, MedGen C3553961, MONDO:0013944, OMIM 614878.
Familial cold autoinflammatory syndrome 3 (FCAS3). Also called: FAMILIAL ATYPICAL COLD URTICARIA; ANTIBODY DEFICIENCY AND IMMUNE DYSREGULATION, PLCG2-ASSOCIATED. Identifiers: Orphanet 300359, MedGen C3280914, MONDO:0013766, OMIM 614468.

Allele frequency attached by ClinVar (database versions not stated): 1000 Genomes Project 0.00559; 1000 Genomes Project 30x 0.00625; ExAC 0.00656; gnomAD exomes 0.00675; gnomAD 0.00775 and 0.00802; ESP Exome Variant Server 0.00779; TOPMed 0.00832.
gnomAD v4.1: 10,624 of 1,611,776 alleles (0.66%); highest among the groups gnomAD compares: Middle Eastern, 3.3%; 73 homozygotes.

Submissions (11):

CeGaT Center for Human Genetics Tuebingen
Classification: Benign. Last evaluated: 2026-07-01. Review status: criteria provided, single submitter. Criteria: CeGaT Center For Human Genetics Tuebingen Variant Classification Criteria Version 2. Collection method: clinical testing. Allele origin: germline. Affected: yes. Observed: 28 variant alleles.
Comment: PLCG2: BP4, BS1, BS2

Labcorp Genetics (formerly Invitae), Labcorp
Classification: Benign for Familial cold autoinflammatory syndrome 3. Last evaluated: 2026-02-03. Review status: criteria provided, single submitter. Criteria: Invitae Variant Classification Sherloc (09022015). Collection method: clinical testing. Allele origin: germline.

Women's Health and Genetics/Laboratory Corporation of America, LabCorp
Classification: Likely benign. Last evaluated: 2026-01-22. Review status: criteria provided, single submitter. Criteria: LabCorp Variant Classification Summary - May 2015. Collection method: clinical testing. Allele origin: germline.

ARUP Laboratories, Molecular Genetics and Genomics, ARUP Laboratories
Classification: Benign. Last evaluated: 2024-12-19. Review status: criteria provided, single submitter. Criteria: ARUP Molecular Germline Variant Investigation Process 2024. Collection method: clinical testing. Allele origin: germline.

Blueprint Genetics
Classification: Likely benign. Last evaluated: 2024-11-26. Review status: criteria provided, single submitter. Criteria: ACMG Guidelines, 2015. Collection method: clinical testing. Allele origin: germline.

Mayo Clinic Laboratories, Mayo Clinic
Classification: Benign. Last evaluated: 2022-08-18. Review status: criteria provided, single submitter. Criteria: ACMG Guidelines, 2015. Collection method: clinical testing. Allele origin: germline. Observed: 37 variant alleles.
Comment: BS1, BS2

Fulgent Genetics
Classification: Likely benign for Familial cold autoinflammatory syndrome 3; Autoinflammation-PLCG2-associated antibody deficiency-immune dysregulation. Last evaluated: 2022-03-24. Review status: criteria provided, single submitter. Criteria: ACMG Guidelines, 2015. Collection method: clinical testing. Allele origin: unknown.

Breakthrough Genomics
Classification: Benign. Review status: criteria provided, single submitter. Criteria: ACMG Guidelines, 2015. Collection method: not provided. Allele origin: germline. Inheritance: Autosomal dominant inheritance. Affected: yes.

Clinical Genetics DNA and cytogenetics Diagnostics Lab, Erasmus MC, Erasmus Medical Center
Classification: Benign. Review status: no assertion criteria provided. Collection method: clinical testing. Allele origin: germline. Affected: yes. Study: VKGL Data-share Consensus. Not counted in ClinVar's aggregate classification.

Genome Diagnostics Laboratory, University Medical Center Utrecht
Classification: Likely benign. Review status: no assertion criteria provided. Collection method: clinical testing. Allele origin: germline. Affected: yes. Study: VKGL Data-share Consensus. Not counted in ClinVar's aggregate classification.

Laboratory of Diagnostic Genome Analysis, Leiden University Medical Center (LUMC)
Classification: Likely benign. Review status: no assertion criteria provided. Collection method: clinical testing. Allele origin: germline. Affected: yes. Study: VKGL Data-share Consensus. Not counted in ClinVar's aggregate classification.